The following is an entry in ClinVar:

ClinVar aggregate classification (germline): Uncertain significance. Review status: reviewed by expert panel (3 of 4 stars). 2 submissions from 2 submitters: Uncertain significance (1). 1 of the submissions does not count toward it. Last evaluated 2025-07-11.

Conditions:
Hereditary thrombocytopenia and hematologic cancer predisposition syndrome. Identifiers: Orphanet 71290, MedGen CN281654, MONDO:0011071.
Inborn genetic diseases. Identifiers: MedGen C0950123, MeSH D030342.

gnomAD v4.1: 4 of 1,606,330 alleles (0.00025%); highest among the groups gnomAD compares: Non-Finnish European, 0.00034%; no homozygotes.

Submissions (2):

ClinGen Myeloid Malignancy Variant Curation Expert Panel
Classification: Uncertain significance for Hereditary thrombocytopenia and hematologic cancer predisposition syndrome. Last evaluated: 2025-07-11. Review status: reviewed by expert panel. Criteria: ClinGen MyeloMalig ACMG Specifications v2. Collection method: curation. Allele origin: germline. Inheritance: Autosomal dominant inheritance.
Comment: NM_001754.5(RUNX1):c.1048C>T (p.Pro350Ser) is a missense variant which has a REVEL score < 0.50 (0.338) and a SpliceAI score ≤ 0.20 (0.0) (BP4). This variant is completely absent from all population databases with at least 20x coverage for RUNX1 (PM2_supporting). In summary, the clinical significance of this variant is uncertain. ACMG/AMP criteria applied, as specified by the Myeloid Malignancy Variant Curation Expert Panel for RUNX1: BP4, PM2_supporting.

Ambry Genetics
Classification: Uncertain significance for Inborn genetic diseases. Last evaluated: 2024-12-19. Review status: criteria provided, single submitter. Criteria: Ambry Variant Classification Scheme 2023. Collection method: clinical testing. Allele origin: germline. Not counted in ClinVar's aggregate classification.
Comment: The p.P350S variant (also known as c.1048C>T), located in coding exon 8 of the RUNX1 gene, results from a C to T substitution at nucleotide position 1048. The proline at codon 350 is replaced by serine, an amino acid with similar properties. This amino acid position is well conserved in available vertebrate species. In addition, this alteration is predicted to be tolerated by in silico analysis. Based on the available evidence, the clinical significance of this variant remains unclear.

NM_001754.5(RUNX1):c.1048C>T (p.Pro350Ser)

Gene: RUNX1 (RUNX family transcription factor 1; minus strand). Cytogenetic location: 21q22.12.
Variant type: single nucleotide variant.
Coding change: c.1048C>T on transcript NM_001754.5 (MANE Select); coding-DNA position 1048, C replaced by T.
Protein change: p.Pro350Ser; replaces proline 350 with serine.
Molecular consequence: missense variant.
Genome position (GRCh38, 1-based): chr21:34,792,530, G>A on the plus strand (C>T on the coding strand, the complement: RUNX1 is on the minus strand). VCF-style: chr21-34792530-G-A. GRCh37 (hg19) VCF-style: chr21-36164827-G-A.
Other names: NM_001754.5(RUNX1):c.1048C>T; p.Pro350Ser; c.967C>T, p.Pro323Ser (NM_001001890.3); short protein forms P350S, P323S.
Identifiers: ClinVar variation 3791461 (VCV003791461.1).